The following is an entry in ClinVar:

NM_000312.4(PROC):c.508G>T (p.Asp170Tyr)

Gene: PROC (protein C, inactivator of coagulation factors Va and VIIIa; plus strand). Cytogenetic location: 2q14.3.
Variant type: single nucleotide variant.
Coding change: c.508G>T on transcript NM_000312.4 (MANE Select); coding-DNA position 508, G replaced by T.
Protein change: p.Asp170Tyr; replaces aspartic acid 170 with tyrosine.
Molecular consequence: missense variant.
Genome position (GRCh38, 1-based): chr2:127,423,381, G>T. VCF-style: chr2-127423381-G-T. GRCh37 (hg19) VCF-style: chr2-128180957-G-T.
Other names: c.691G>T, p.Asp231Tyr (NM_001375602.1); c.673G>T, p.Asp225Tyr (NM_001375603.1); c.571G>T, p.Asp191Tyr (NM_001375604.1); c.610G>T, p.Asp204Tyr (NM_001375605.1); c.676G>T, p.Asp226Tyr (NM_001375606.1); c.694G>T, p.Asp232Tyr (NM_001375607.1); c.451G>T, p.Asp151Tyr (NM_001375608.1); c.484G>T, p.Asp162Tyr (NM_001375609.1); and 2 more; short protein forms D151Y, D162Y, D168Y, D170Y, D191Y, D204Y, D225Y, D226Y.
Identifiers: ClinVar variation 1684350 (VCV001684350.1), dbSNP rs2104954946, ClinGen allele CA348400181.

ClinVar aggregate classification (germline): Likely pathogenic (0 of 4 stars; one submission).

Conditions:
Reduced protein C activity. Identifiers: MedGen C0398625, MeSH D020151, HP:0005543.

gnomAD v4.1: 1 of 1,550,586 alleles (0.000064%); no homozygotes.

Submission:

ISTH-SSC Genomics in Thrombosis and Hemostasis, KU Leuven, Center for Molecular and Vascular Biology
Classification: Likely pathogenic for Reduced protein C activity. Review status: no assertion criteria provided. Collection method: clinical testing. Allele origin: germline. Affected: yes.
Comment: Submitted to GoldVariant by Bilal Jradeh from Katharine Dormandy Haemophilia and Thrombosis Centre, Royal Free Hospital, London, UK